The following is an entry in ClinVar:

ClinVar aggregate classification (germline): Likely benign (1 of 4 stars; one submission).

gnomAD v4.1: 1 of 1,614,056 alleles (0.000062%); highest among the groups gnomAD compares: Non-Finnish European, 0.000085%; no homozygotes.

Submission:

CeGaT Center for Human Genetics Tuebingen
Classification: Likely benign. Last evaluated: 2024-09-01. Review status: criteria provided, single submitter. Criteria: CeGaT Center For Human Genetics Tuebingen Variant Classification Criteria Version 2. Collection method: clinical testing. Allele origin: germline. Affected: yes. Observed: 1 variant allele.
Comment: ERCC5: BP4, BP7

NM_000123.4(ERCC5):c.486A>G (p.Glu162=)

Genes: BIVM-ERCC5 (BIVM-ERCC5 readthrough; plus strand), ERCC5 (ERCC excision repair 5, endonuclease; plus strand). Cytogenetic location: 13q33.1.
Variant type: single nucleotide variant.
Coding change: c.486A>G on transcript NM_000123.4 (MANE Select); coding-DNA position 486, A replaced by G.
Protein change: p.Glu162=; no amino-acid change (glutamic acid 162 retained).
Molecular consequence: synonymous variant.
Genome position (GRCh38, 1-based): chr13:102,856,070, A>G. VCF-style: chr13-102856070-A-G. GRCh37 (hg19) VCF-style: chr13-103508420-A-G.
Other names: c.1848A>G, p.Glu616= (NM_001204425.2).
Identifiers: ClinVar variation 3389003 (VCV003389003.14).